The following is an entry in ClinVar:

ClinVar aggregate classification (germline): Pathogenic. Review status: criteria provided, single submitter (1 of 4 stars). 2 submissions from 2 submitters: Pathogenic (1). 1 of the submissions does not count toward it. Last evaluated 2023-02-14.

Conditions:
Familial focal epilepsy with variable foci (FPEVF). Identifiers: Orphanet 98820, MedGen C1858477, MONDO:0020310.
Epilepsy, familial focal, with variable foci 1 (FFEVF1). Also called: DEPDC5-Related Epilepsy. Identifiers: MedGen C4551983, MONDO:0024556, OMIM 604364.

Allele frequency attached by ClinVar (database versions not stated): gnomAD exomes below 0.00001.
gnomAD v4.1: 1 of 1,608,910 alleles (0.000062%); highest among the groups gnomAD compares: Non-Finnish European, 0.000085%; no homozygotes.

Submissions (2):

Labcorp Genetics (formerly Invitae), Labcorp
Classification: Pathogenic for Familial focal epilepsy with variable foci. Last evaluated: 2023-02-14. Review status: criteria provided, single submitter. Criteria: Invitae Variant Classification Sherloc (09022015). Collection method: clinical testing. Allele origin: germline.
Comment: This variant is not present in population databases (gnomAD no frequency). For these reasons, this variant has been classified as Pathogenic. Algorithms developed to predict the effect of sequence changes on RNA splicing suggest that this variant may disrupt the consensus splice site. ClinVar contains an entry for this variant (Variation ID: 264714). Disruption of this splice site has been observed in individuals with autosomal dominant familial focal epilepsy with variable foci (PMID: 23542697, 27066554). It has also been observed to segregate with disease in related individuals. This sequence change affects a donor splice site in intron 4 of the DEPDC5 gene. It is expected to disrupt RNA splicing. Variants that disrupt the donor or acceptor splice site typically lead to a loss of protein function (PMID: 16199547), and loss-of-function variants in DEPDC5 are known to be pathogenic (PMID: 23542697, 23542701).

GeneReviews
No classification provided. Condition: Epilepsy, familial focal, with variable foci 1. Review status: no classification provided. Collection method: literature only. Allele origin: germline. Affected: yes. Not counted in ClinVar's aggregate classification.

Literature cited by the submitters: PubMed 23542697 (cited by Labcorp Genetics (formerly Invitae), Labcorp and GeneReviews); PubMed 27066554 (cited by Labcorp Genetics (formerly Invitae), Labcorp and GeneReviews); PubMed 16199547 (cited by Labcorp Genetics (formerly Invitae), Labcorp); PubMed 23542701 (cited by Labcorp Genetics (formerly Invitae), Labcorp); NCBI Bookshelf NBK385626 (cited by GeneReviews).

NM_001242896.3(DEPDC5):c.193+1G>A

Gene: DEPDC5 (DEP domain containing 5, GATOR1 subcomplex subunit; plus strand). Cytogenetic location: 22q12.2.
Variant type: single nucleotide variant.
Coding change: c.193+1G>A on transcript NM_001242896.3 (MANE Select); the canonical splice donor site of the intron after coding-DNA position 193, G replaced by A.
Molecular consequence: splice donor variant.
Genome position (GRCh38, 1-based): chr22:31,760,703, G>A. VCF-style: chr22-31760703-G-A. GRCh37 (hg19) VCF-style: chr22-32156689-G-A.
Other names: c.193+1G>A (NM_001364318.2, NM_001136029.4, NM_014662.6 and 9 more transcripts).
Identifiers: ClinVar variation 264714 (VCV000264714.5), dbSNP rs886039245, ClinGen allele CA10588022.